The following is an entry in ClinVar:

NM_058172.6(ANTXR2):c.134T>G (p.Leu45Arg)

Gene: ANTXR2 (ANTXR cell adhesion molecule 2; minus strand). Cytogenetic location: 4q21.21.
Variant type: single nucleotide variant.
Coding change: c.134T>G on transcript NM_058172.6 (MANE Select); coding-DNA position 134, T replaced by G.
Protein change: p.Leu45Arg; replaces leucine 45 with arginine.
Molecular consequence: missense variant. On other transcripts: intron variant (2).
Genome position (GRCh38, 1-based): chr4:80,072,427, A>C on the plus strand (T>G on the coding strand, the complement: ANTXR2 is on the minus strand). VCF-style: chr4-80072427-A-C. GRCh37 (hg19) VCF-style: chr4-80993581-A-C.
Other names: c.134T>G, p.Leu45Arg (NM_001145794.2); c.-79-773T>G (NM_001286780.2); c.-80+282T>G (NM_001286781.2); short protein forms L45R.
Identifiers: ClinVar variation 383749 (VCV000383749.2), dbSNP rs886041401, ClinGen allele CA16604629.

ClinVar aggregate classification (germline): Likely pathogenic (1 of 4 stars; one submission).

Allele frequency attached by ClinVar (database versions not stated): gnomAD 0.00001; TOPMed below 0.00001.
gnomAD v4.1: 1 of 1,605,050 alleles (0.000062%); highest among the groups gnomAD compares: Non-Finnish European, 0.000085%; no homozygotes.

Submission:

GeneDx
Classification: Likely pathogenic. Last evaluated: 2016-02-08. Review status: criteria provided, single submitter. Criteria: GeneDx Variant Classification (06012015). Collection method: clinical testing. Allele origin: germline. Affected: yes.
Comment: The L45R variant in the ANTXR2 gene has not been reported previously as a pathogenic variant, nor as a benign variant, to our knowledge. The L45R variant was not observed in approximately 6,200 individuals of European and African American ancestry in the NHLBI Exome Sequencing Project, indicating it is not a common benign variant in these populations. The L45R variant is a non-conservative amino acid substitution, which is likely to impact secondary protein structure as these residues differ in polarity, charge, size and/or other properties. This substitution occurs at a position that is conserved across species. In silico analysis predicts this variant is probably damaging to the protein structure/function. A missense variant in the same residue (L45P) has been reported in the Human Gene Mutation Database in association with hyaline fibromatosis syndrome (Stenson et al., 2014), supporting the functional importance of this region of the protein. The L45R variant is a strong candidate for a pathogenic variant, however the possibility it may be a rare benign variant cannot be excluded.